The following is an entry in ClinVar:

NC_012920.1(MT-CO3):m.9477G>A

Gene: MT-CO3 (mitochondrially encoded cytochrome c oxidase III; plus strand).
Variant type: single nucleotide variant.
Genome position: chrM-9477-G-A.
Identifiers: ClinVar variation 693169 (VCV000693169.2), dbSNP rs2853825, ClinGen allele CA337098418.

ClinVar aggregate classification (germline): Benign/Likely benign. Review status: criteria provided, multiple submitters, no conflicts (2 of 4 stars). 2 submissions from 2 submitters: Benign (1); Likely benign (1). Last evaluated 2025-02-16.

Conditions:
Leigh syndrome (NULS). Also called: Leigh's necrotizing encephalopathy; Leigh's disease; Leigh Syndrome (mtDNA deletion); Leigh Disease; Subacute necrotizing encephalopathy; Necrotizing encephalopathy infantile subacute of Leigh. Identifiers: Orphanet 506, MedGen C2931891, MONDO:0009723, OMIM 256000.

Submissions (2):

Laboratory of Genetics, Children's Clinical University Hospital Latvia
Classification: Likely benign. Last evaluated: 2025-02-16. Review status: criteria provided, single submitter. Criteria: ACMG Guidelines, 2015. Collection method: clinical testing. Allele origin: germline. Affected: yes.

Wong Mito Lab, Molecular and Human Genetics, Baylor College of Medicine
Classification: Benign for Leigh syndrome. Last evaluated: 2019-10-17. Review status: criteria provided, single submitter. Criteria: Modified ACMG Guidelines (Unpublished). Collection method: clinical testing. Allele origin: germline.
Comment: The NC_012920.1:m.9477G>A (YP_003024032.1:p.Val91Ile) variant in MTCO3 gene is interpretated to be a Benign variant based on the modified ACMG guidelines (unpublished). This variant meets the following evidence codes: BA1